The following is an entry in ClinVar:

ClinVar aggregate classification (germline): Uncertain significance (1 of 4 stars; one submission).

Conditions:
Inborn genetic diseases. Identifiers: MedGen C0950123, MeSH D030342.

gnomAD v4.1: 3 of 1,612,196 alleles (0.00019%); highest among the groups gnomAD compares: Non-Finnish European, 0.00025%; no homozygotes.

Submission:

Ambry Genetics
Classification: Uncertain significance for Inborn genetic diseases. Last evaluated: 2025-02-26. Review status: criteria provided, single submitter. Criteria: Ambry Variant Classification Scheme 2023. Collection method: clinical testing. Allele origin: germline.
Comment: The p.P958R variant (also known as c.2873C>G), located in coding exon 29 of the RTEL1 gene, results from a C to G substitution at nucleotide position 2873. The proline at codon 958 is replaced by arginine, an amino acid with dissimilar properties. This amino acid position is conserved. In addition, the in silico prediction for this alteration is inconclusive. Based on the available evidence, the clinical significance of this variant remains unclear.

NM_001283009.2(RTEL1):c.2873C>G (p.Pro958Arg)

Genes: RTEL1 (regulator of telomere elongation helicase 1; plus strand), RTEL1-TNFRSF6B (RTEL1-TNFRSF6B readthrough (NMD candidate); plus strand). Cytogenetic location: 20q13.33.
Variant type: single nucleotide variant.
Coding change: c.2873C>G on transcript NM_001283009.2 (MANE Select); coding-DNA position 2873, C replaced by G.
Protein change: p.Pro958Arg; replaces proline 958 with arginine.
Molecular consequence: missense variant. On other transcripts: non-coding transcript variant (1).
Genome position (GRCh38, 1-based): chr20:63,693,164, C>G. VCF-style: chr20-63693164-C-G. GRCh37 (hg19) VCF-style: chr20-62324517-C-G.
Other names: c.2204C>G, p.Pro735Arg (NM_001283010.1); c.2873C>G, p.Pro958Arg (NM_016434.4); c.2945C>G, p.Pro982Arg (NM_032957.5); short protein forms P735R, P982R, P958R.
Identifiers: ClinVar variation 3791187 (VCV003791187.1).